The following is an entry in ClinVar:

NM_152564.5(VPS13B):c.3436C>T (p.Leu1146Phe)

Gene: VPS13B (vacuolar protein sorting 13 homolog B; plus strand). Cytogenetic location: 8q22.2.
Variant type: single nucleotide variant.
Coding change: c.3436C>T on transcript NM_152564.5 (MANE Select); coding-DNA position 3436, C replaced by T.
Protein change: p.Leu1146Phe; replaces leucine 1146 with phenylalanine.
Molecular consequence: missense variant.
Genome position (GRCh38, 1-based): chr8:99,442,626, C>T. VCF-style: chr8-99442626-C-T. GRCh37 (hg19) VCF-style: chr8-100454854-C-T.
Other names: c.3436C>T, p.Leu1146Phe (NM_017890.5); short protein forms L1146F.
Identifiers: ClinVar variation 4978043 (VCV004978043.1).
Genomic context (GRCh38, chr8:99,442,626, plus strand): 5'-GCTGGGCACAAGTATATGGAACCTCTGCAGGAGATTCCATTTGTTATCCCACGACCCATC[C>T]TTGAAGAAGGTATATGTTAACATTTTTTTCCTATGGTTAATGTTTTATATGGACATTTTT-3'
Protein context (NP_689777.3, residues 1136-1156): EIPFVIPRPI[Leu1146Phe]EEGDAFPWTI

ClinVar aggregate classification (germline): Uncertain significance (1 of 4 stars; one submission).

Conditions:
VPS13B-related disorder. Also called: VPS13B-related condition.

gnomAD v4.1: 1 of 1,613,538 alleles (0.000062%); highest among the groups gnomAD compares: Admixed American, 0.0017%; no homozygotes.

Submission:

PreventionGenetics, part of Exact Sciences
Classification: Uncertain significance for VPS13B-related condition. Last evaluated: 2024-11-20. Review status: criteria provided, single submitter. Criteria: ACMG Guidelines, 2015. Collection method: clinical testing. Allele origin: germline.
Comment: The VPS13B c.3436C>T variant is predicted to result in the amino acid substitution p.Leu1146Phe. To our knowledge, this variant has not been reported in the literature or in a large population database (gnomAD), indicating this variant is rare. At this time, the clinical significance of this variant is uncertain due to the absence of conclusive functional and genetic evidence.